The following is an entry in ClinVar:

NM_001101426.4(CRPPA):c.1120-3C>G

Genes: CRPPA (CDP-L-ribitol pyrophosphorylase A; minus strand), CRPPA-AS1 (CRPPA antisense RNA 1; plus strand). Cytogenetic location: 7p21.2.
Variant type: single nucleotide variant.
Coding change: c.1120-3C>G on transcript NM_001101426.4 (MANE Select); 3 bases into the intron before coding-DNA position 1120, C replaced by G.
Molecular consequence: intron variant.
Genome position (GRCh38, 1-based): chr7:16,216,200, G>C on the plus strand (C>G on the coding strand, the complement: CRPPA is on the minus strand). VCF-style: chr7-16216200-G-C. GRCh37 (hg19) VCF-style: chr7-16255825-G-C.
Other names: c.970-3C>G (NM_001101417.4); c.1015-3C>G (NM_001368197.1).
Identifiers: ClinVar variation 2019681 (VCV002019681.2), dbSNP rs966721628, ClinGen allele CA573094656.
Genomic context (GRCh38, chr7:16,216,200, plus strand): 5'-GCATTAGGTTTTCCATTTTCTGACTGGGAGGTACTAATTTAAAATCAAGAAAATGAACCT[G>C]CAAAATATAAAAGACAGTATTTAGAATATCATTCCCTTCAACTTTCTCTGGAGGGAAAAA-3'

ClinVar aggregate classification (germline): Uncertain significance (1 of 4 stars; one submission).

Conditions:
Autosomal recessive limb-girdle muscular dystrophy type 2U. Also called: Muscular dystrophy-dystroglycanopathy (limb-girdle), type c, 7; MUSCULAR DYSTROPHY, LIMB-GIRDLE, TYPE 2U. Identifiers: Orphanet 352479, MedGen C5190987, MONDO:0014474, OMIM 616052.
Muscular dystrophy-dystroglycanopathy (congenital with brain and eye anomalies), type A, 7. Also called: WALKER-WARBURG SYNDROME OR MUSCLE-EYE-BRAIN DISEASE, ISPD-RELATED; Congenital muscular dystrophy-dystroglycanopathy with brain and eye anomalies, type A7. Identifiers: Orphanet 899, MedGen C3553330, MONDO:0013835, OMIM 614643.

Submission:

Labcorp Genetics (formerly Invitae), Labcorp
Classification: Uncertain significance for Muscular dystrophy-dystroglycanopathy (congenital with brain and eye anomalies), type A, 7; Autosomal recessive limb-girdle muscular dystrophy type 2U. Last evaluated: 2022-09-27. Review status: criteria provided, single submitter. Criteria: Invitae Variant Classification Sherloc (09022015). Collection method: clinical testing. Allele origin: germline.
Comment: In summary, the available evidence is currently insufficient to determine the role of this variant in disease. Therefore, it has been classified as a Variant of Uncertain Significance. Variants that disrupt the consensus splice site are a relatively common cause of aberrant splicing (PMID: 17576681, 9536098). Algorithms developed to predict the effect of sequence changes on RNA splicing suggest that this variant may disrupt the consensus splice site. This variant has not been reported in the literature in individuals affected with ISPD-related conditions. This variant is not present in population databases (gnomAD no frequency). This sequence change falls in intron 8 of the ISPD gene. It does not directly change the encoded amino acid sequence of the ISPD protein. It affects a nucleotide within the consensus splice site.

Literature cited by the submitters: PubMed 17576681; PubMed 9536098.